The following is an entry in ClinVar:

ClinVar aggregate classification (germline): Conflicting classifications of pathogenicity. Review status: criteria provided, conflicting classifications (1 of 4 stars). 7 submissions from 7 submitters: Uncertain significance (5); Likely benign (2). Last evaluated 2025-09-29.

Conditions:
Congenital myopathy with fiber type disproportion. Also called: Congenital fiber-type disproportion; Congenital fiber-type disproportion myopathy. Identifiers: Orphanet 2020, MedGen C0546264, MONDO:0009711. Inheritance: all.
Congenital multicore myopathy with external ophthalmoplegia (CMYO1B). Also called: Congenital myopathy 1B, autosomal recessive; Minicore myopathy; MULTIMINICORE DISEASE WITH EXTERNAL OPHTHALMOPLEGIA; Minicore myopathy with external ophthalmoplegia; MULTICORE MYOPATHY. Identifiers: Orphanet 598, Orphanet 98905, MedGen C1850674, MONDO:0009712, OMIM 255320, HP:0003789.
Malignant hyperthermia, susceptibility to, 1 (MHS1). Also called: Anesthesia related hyperthermia; Malignant hyperpyrexia; Fulminating hyperpyrexia; Pharmacogenic myopathy; Malignant hyperthermia suceptibility 1; RYR1-Related Malignant Hyperthermia Susceptibility. Identifiers: Orphanet 423, MedGen C2930980, MONDO:0007783, OMIM 145600.
King Denborough syndrome (KDS). Identifiers: MedGen C1840365, MONDO:0020485, OMIM 619542.
Central core myopathy (CMYO1A). Also called: CONGENITAL MYOPATHY 1A, AUTOSOMAL DOMINANT, WITH SUSCEPTIBILITY TO MALIGNANT HYPERTHERMIA; Central core disease; Myopathy, central fibrillar. Identifiers: Orphanet 597, MedGen C5830701, MONDO:0007294, OMIM 117000.
RYR1-related disorder. Also called: RYR1-related condition; RYR1-related disorders. Identifiers: MedGen CN239331.

Allele frequency attached by ClinVar (database versions not stated): gnomAD 0.00004 and 0.00005; TOPMed 0.00007; 1000 Genomes Project 0.00020; 1000 Genomes Project 30x 0.00031.
gnomAD v4.1: 71 of 1,613,886 alleles (0.0044%); highest among the groups gnomAD compares: East Asian, 0.06%; no homozygotes.

Submissions (7):

PreventionGenetics, part of Exact Sciences
Classification: Uncertain significance for RYR1-related condition. Last evaluated: 2025-09-29. Review status: criteria provided, single submitter. Criteria: ACMG Guidelines, 2015. Collection method: clinical testing. Allele origin: germline.
Comment: The RYR1 c.9859C>T variant is predicted to result in the amino acid substitution p.Arg3287Cys. This variant was reported in the compound heterozygous state with an RYR1 splice variant in a patient with features consistent with autosomal recessive RYR1-related myopathy (Gonorazky et al. 2019. PubMed ID: 30827497). This variant was also reported in one individual who had negative CHCT/IVCT testing for malignant hyperthermia (Supp. Content 2, van den Bersselaar et al. 2022. PubMed ID: 35285867). This variant is reported in 0.11% of alleles in individuals of East Asian descent in gnomAD, which is relatively high to be causative for autosomal dominant disease. At this time, the clinical significance of this variant is uncertain due to the absence of conclusive functional and genetic evidence.

Labcorp Genetics (formerly Invitae), Labcorp
Classification: Uncertain significance for RYR1-related disorder. Last evaluated: 2025-01-30. Review status: criteria provided, single submitter. Criteria: Invitae Variant Classification Sherloc (09022015). Collection method: clinical testing. Allele origin: germline.
Comment: This sequence change replaces arginine, which is basic and polar, with cysteine, which is neutral and slightly polar, at codon 3287 of the RYR1 protein (p.Arg3287Cys). This variant is present in population databases (rs201276068, gnomAD 0.09%). This variant has not been reported in the literature in individuals affected with RYR1-related conditions. ClinVar contains an entry for this variant (Variation ID: 544426). Invitae Evidence Modeling of protein sequence and biophysical properties (such as structural, functional, and spatial information, amino acid conservation, physicochemical variation, residue mobility, and thermodynamic stability) indicates that this missense variant is not expected to disrupt RYR1 protein function with a negative predictive value of 80%. In summary, the available evidence is currently insufficient to determine the role of this variant in disease. Therefore, it has been classified as a Variant of Uncertain Significance.

GeneDx
Classification: Uncertain significance. Last evaluated: 2024-05-01. Review status: criteria provided, single submitter. Criteria: GeneDx Variant Classification Process June 2021. Collection method: clinical testing. Allele origin: germline. Affected: yes.
Comment: Observed in a proband with centronuclear myopathy who also harbored a second RYR1 pathogenic variant; however segregation studies to determine phase were not provided (PMID: 30827497); Previously reported in a individual from a cohort of patients referred for malignant hyperthermia testing; however clinical details were not provided (PMID: 35285867); In silico analysis supports that this missense variant has a deleterious effect on protein structure/function; This variant is associated with the following publications: (PMID: 34426522, 35285867, 30827497)

Color Diagnostics, LLC DBA Color Health
Classification: Likely benign for Malignant hyperthermia, susceptibility to, 1. Last evaluated: 2023-01-05. Review status: criteria provided, single submitter. Criteria: ACMG Guidelines, 2015. Collection method: clinical testing. Allele origin: germline.

Women's Health and Genetics/Laboratory Corporation of America, LabCorp
Classification: Likely benign. Last evaluated: 2022-10-28. Review status: criteria provided, single submitter. Criteria: LabCorp Variant Classification Summary - May 2015. Collection method: clinical testing. Allele origin: germline.
Comment: Variant summary: RYR1 c.9859C>T (p.Arg3287Cys) results in a non-conservative amino acid change in the encoded protein sequence. Five of five in-silico tools predict a damaging effect of the variant on protein function. The variant allele was found at a frequency of 0.0001 in 280070 control chromosomes (gnomAD), predominantly at a frequency of 0.0011 within the East Asian subpopulation in the gnomAD database. The observed variant frequency within East Asian control individuals in the gnomAD database is approximately 13 fold of the estimated maximal expected allele frequency for a pathogenic variant in RYR1 causing Malignant Hyperthermia Susceptibility phenotype (8.8e-05), strongly suggesting that the variant is a benign polymorphism found primarily in populations of East Asian origin. c.9859C>T has been reported in the literature in individuals without history of adverse anesthetic events (van den Bersselaar_2022) and in an individual affected with congenital myopathy (Gonorazky_2019). These reports do not provide unequivocal conclusions about association of the variant with Malignant Hyperthermia Susceptibility. To our knowledge, no experimental evidence demonstrating an impact on protein function has been reported. Two ClinVar submitters have assessed the variant since 2014: both classified the variant as uncertain significance. Based on the evidence outlined above, the variant was classified as likely benign.

Fulgent Genetics
Classification: Uncertain significance for Central core myopathy; Malignant hyperthermia, susceptibility to, 1; Congenital myopathy 4A, autosomal dominant; Congenital multicore myopathy with external ophthalmoplegia; King Denborough syndrome. Last evaluated: 2021-08-06. Review status: criteria provided, single submitter. Criteria: ACMG Guidelines, 2015. Collection method: clinical testing. Allele origin: unknown.

Revvity Omics, Revvity
Classification: Uncertain significance. Last evaluated: 2020-07-16. Review status: criteria provided, single submitter. Criteria: ACMG Guidelines, 2015. Collection method: clinical testing. Allele origin: germline.

Literature cited by the submitters: PubMed 30827497 (cited by Women's Health and Genetics/Laboratory Corporation of America, LabCorp); PubMed 35285867 (cited by Women's Health and Genetics/Laboratory Corporation of America, LabCorp).

NM_000540.3(RYR1):c.9859C>T (p.Arg3287Cys)

Gene: RYR1 (ryanodine receptor 1; plus strand). Cytogenetic location: 19q13.2.
Variant type: single nucleotide variant.
Coding change: c.9859C>T on transcript NM_000540.3 (MANE Select); coding-DNA position 9859, C replaced by T.
Protein change: p.Arg3287Cys; replaces arginine 3287 with cysteine.
Molecular consequence: missense variant.
Genome position (GRCh38, 1-based): chr19:38,517,532, C>T. VCF-style: chr19-38517532-C-T. GRCh37 (hg19) VCF-style: chr19-39008172-C-T.
Other names: c.9859C>T, p.Arg3287Cys (NM_001042723.2); short protein forms R3287C.
Identifiers: ClinVar variation 544426 (VCV000544426.12), dbSNP rs201276068, ClinGen allele CA074235.